The following is an entry in ClinVar:

ClinVar aggregate classification (germline): Conflicting classifications of pathogenicity. Review status: criteria provided, conflicting classifications (1 of 4 stars). 7 submissions from 7 submitters: Uncertain significance (1); Benign (4); Likely benign (1). 1 of the submissions does not count toward it. Last evaluated 2026-09-01.

Conditions:
Microphthalmia, isolated, with coloboma 7 (MCOPCB7). Also called: ocular coloboma; MICROPHTHALMIA/COLOBOMA 7. Identifiers: Orphanet 98938, MedGen C3281027, MONDO:0013783, OMIM 614497.
Dyschromatosis universalis hereditaria 3 (DUH3). Identifiers: MedGen C3809394, MONDO:0014169, OMIM 615402.
Familial pseudohyperkalemia. Also called: PSEUDOHYPERKALEMIA LILLE; Pseudohyperkalemia Chiswick; Pseudohyperkalemia Falkirk; PSEUDOHYPERKALEMIA EAST LONDON; CRYOHYDROCYTOSIS, MILD; Pseudohyperkalemia, familial, 2, due to red cell leak. Identifiers: Orphanet 90044, MedGen C1836705, MONDO:0012204, OMIM 609153.
Langereis blood group. Also called: LANGEREIS BLOOD GROUP SYSTEM, LAN(-) PHENOTYPE. Identifiers: MedGen C3276339, OMIM 111600.
ABCB6-related disorder. Also called: ABCB6-related condition.

Allele frequency attached by ClinVar (database versions not stated): gnomAD 0.00285 and 0.00297; ExAC 0.00459; TOPMed 0.00549; ESP Exome Variant Server 0.00031; gnomAD exomes 0.00136 and 0.00613; 1000 Genomes Project 0.00579; 1000 Genomes Project 30x 0.00625.
gnomAD v4.1: 2,447 of 1,614,088 alleles (0.15%); highest among the groups gnomAD compares: Admixed American, 3.8%; 59 homozygotes.

Submissions (7):

CeGaT Center for Human Genetics Tuebingen
Classification: Benign. Last evaluated: 2026-09-01. Review status: criteria provided, single submitter. Criteria: CeGaT Center For Human Genetics Tuebingen Variant Classification Criteria Version 2. Collection method: clinical testing. Allele origin: germline. Affected: yes. Observed: 3 variant alleles.
Comment: ABCB6: BS1, BS2

Labcorp Genetics (formerly Invitae), Labcorp
Classification: Benign. Last evaluated: 2026-01-22. Review status: criteria provided, single submitter. Criteria: Invitae Variant Classification Sherloc (09022015). Collection method: clinical testing. Allele origin: germline.

Mayo Clinic Laboratories, Mayo Clinic
Classification: Uncertain significance. Last evaluated: 2025-08-22. Review status: criteria provided, single submitter. Criteria: ACMG Guidelines, 2015. Collection method: clinical testing. Allele origin: germline. Observed: 7 variant alleles.
Comment: BS1, BS2, PP3_moderate, PS3_moderate

Blueprint Genetics
Classification: Benign. Last evaluated: 2024-10-11. Review status: criteria provided, single submitter. Criteria: ACMG Guidelines, 2015. Collection method: clinical testing. Allele origin: germline.

Fulgent Genetics
Classification: Likely benign for Langereis blood group; Familial pseudohyperkalemia; Microphthalmia, isolated, with coloboma 7; Dyschromatosis universalis hereditaria 3. Last evaluated: 2022-04-27. Review status: criteria provided, single submitter. Criteria: ACMG Guidelines, 2015. Collection method: clinical testing. Allele origin: unknown.

Breakthrough Genomics
Classification: Benign. Review status: criteria provided, single submitter. Criteria: ACMG Guidelines, 2015. Collection method: not provided. Allele origin: germline. Inheritance: Autosomal dominant inheritance. Affected: yes.

PreventionGenetics, part of Exact Sciences
Classification: Likely benign for ABCB6-related condition. Last evaluated: 2020-11-17. Review status: no assertion criteria provided. Collection method: clinical testing. Allele origin: germline. Not counted in ClinVar's aggregate classification.
Comment: This variant is classified as likely benign based on ACMG/AMP sequence variant interpretation guidelines (Richards et al. 2015 PMID: 25741868, with internal and published modifications).

Literature cited by the submitters: PubMed 27151991 (cited by Mayo Clinic Laboratories, Mayo Clinic); PubMed 28971506 (cited by Mayo Clinic Laboratories, Mayo Clinic); PubMed 30187933 (cited by Mayo Clinic Laboratories, Mayo Clinic); PubMed 34201899 (cited by Mayo Clinic Laboratories, Mayo Clinic).

NM_005689.4(ABCB6):c.1361T>C (p.Val454Ala)

Gene: ABCB6 (ATP binding cassette subfamily B member 6 (LAN blood group); minus strand). Cytogenetic location: 2q35.
Variant type: single nucleotide variant.
Coding change: c.1361T>C on transcript NM_005689.4 (MANE Select); coding-DNA position 1361, T replaced by C.
Protein change: p.Val454Ala; replaces valine 454 with alanine.
Molecular consequence: missense variant.
Genome position (GRCh38, 1-based): chr2:219,214,414, A>G on the plus strand (T>C on the coding strand, the complement: ABCB6 is on the minus strand). VCF-style: chr2-219214414-A-G. GRCh37 (hg19) VCF-style: chr2-220079136-A-G.
Other names: p.Val454Ala; c.1223T>C, p.Val408Ala (NM_001349828.2); short protein forms V408A, V454A.
Identifiers: ClinVar variation 771341 (VCV000771341.19), dbSNP rs61733629, ClinGen allele CA2119442.